The following is an entry in ClinVar:

ClinVar aggregate classification (germline): Uncertain significance. Review status: criteria provided, multiple submitters, no conflicts (2 of 4 stars). 2 submissions from 2 submitters: Uncertain significance (2). Last evaluated 2024-05-01.

Conditions:
Familial sleep-related hypermotor epilepsy. Also called: Autosomal Dominant Sleep-Related Hypermotor (Hyperkinetic) Epilepsy. Identifiers: Orphanet 98784, MedGen C3696898, MONDO:0000030.

Submissions (2):

GeneDx
Classification: Uncertain significance. Last evaluated: 2024-05-01. Review status: criteria provided, single submitter. Criteria: GeneDx Variant Classification Process June 2021. Collection method: clinical testing. Allele origin: germline. Affected: yes.
Comment: Not observed at significant frequency in large population cohorts (gnomAD); In silico analysis indicates that this missense variant does not alter protein structure/function; Has not been previously published as pathogenic or benign to our knowledge

Labcorp Genetics (formerly Invitae), Labcorp
Classification: Uncertain significance. Last evaluated: 2018-04-03. Review status: criteria provided, single submitter. Criteria: Invitae Variant Classification Sherloc (09022015). Collection method: clinical testing. Allele origin: germline.
Comment: This variant is not present in population databases (ExAC no frequency). In summary, the available evidence is currently insufficient to determine the role of this variant in disease. Therefore, it has been classified as a Variant of Uncertain Significance. Algorithms developed to predict the effect of missense changes on protein structure and function output the following: SIFT: "Tolerated"; PolyPhen-2: "Benign"; Align-GVGD: "Class C0". The valine amino acid residue is found in multiple mammalian species, suggesting that this missense change does not adversely affect protein function. These predictions have not been confirmed by published functional studies and their clinical significance is uncertain. This variant has not been reported in the literature in individuals with CHRNA4-related disease. This sequence change replaces alanine with valine at codon 26 of the CHRNA4 protein (p.Ala26Val). The alanine residue is weakly conserved and there is a small physicochemical difference between alanine and valine.

NM_000744.7(CHRNA4):c.77C>T (p.Ala26Val)

Gene: CHRNA4 (cholinergic receptor nicotinic alpha 4 subunit; minus strand). Cytogenetic location: 20q13.33.
Variant type: single nucleotide variant.
Coding change: c.77C>T on transcript NM_000744.7 (MANE Select); coding-DNA position 77, C replaced by T.
Protein change: p.Ala26Val; replaces alanine 26 with valine.
Molecular consequence: missense variant. On other transcripts: 5 prime UTR variant (1), non-coding transcript variant (1).
Genome position (GRCh38, 1-based): chr20:63,359,699, G>A on the plus strand (C>T on the coding strand, the complement: CHRNA4 is on the minus strand). VCF-style: chr20-63359699-G-A. GRCh37 (hg19) VCF-style: chr20-61991051-G-A.
Other names: c.-470C>T (NM_001256573.2); c.77C>T (NM_000744.5); short protein forms A26V.
Identifiers: ClinVar variation 578642 (VCV000578642.9), dbSNP rs761362001, ClinGen allele CA409644096.